The following is an entry in ClinVar:

NM_004329.3(BMPR1A):c.1166G>T (p.Ser389Ile)

Gene: BMPR1A (bone morphogenetic protein receptor type 1A; plus strand). Cytogenetic location: 10q23.2.
Variant type: single nucleotide variant.
Coding change: c.1166G>T on transcript NM_004329.3 (MANE Select); coding-DNA position 1166, G replaced by T.
Protein change: p.Ser389Ile; replaces serine 389 with isoleucine.
Molecular consequence: missense variant.
Genome position (GRCh38, 1-based): chr10:86,919,469, G>T. VCF-style: chr10-86919469-G-T. GRCh37 (hg19) VCF-style: chr10-88679226-G-T.
Other names: short protein forms S389I.
Identifiers: ClinVar variation 460474 (VCV000460474.19), dbSNP rs879254049, ClinGen allele CA211208864.
Genomic context (GRCh38, chr10:86,919,469, plus strand): 5'-TCATCAAGAAAAATGGGAGTTGCTGCATTGCTGACCTGGGCCTTGCTGTTAAATTCAACA[G>T]GTGAGTGGTTCTTTGCCCCACTGTTTTGAAATTATTTTAATTTCCAAAAGATATTTCCCT-3'
Protein context (NP_004320.2, residues 379-399): ADLGLAVKFN[Ser389Ile]DTNEVDVPLN

ClinVar aggregate classification (germline): Uncertain significance. Review status: criteria provided, multiple submitters, no conflicts (2 of 4 stars). 5 submissions from 5 submitters: Uncertain significance (5). Last evaluated 2025-12-20.

Conditions:
Juvenile polyposis syndrome (JPS). Identifiers: Orphanet 2929, MedGen C0345893, MONDO:0017380, OMIM 174900.
Hereditary cancer-predisposing syndrome. Also called: Hereditary neoplastic syndrome; Neoplastic Syndromes, Hereditary; Tumor predisposition; Hereditary Cancer Syndrome. Identifiers: Orphanet 140162, MedGen C0027672, MeSH D009386, MONDO:0015356.

Allele frequency attached by ClinVar (database versions not stated): gnomAD 0.00001; TOPMed 0.00002.
gnomAD v4.1: 7 of 1,613,412 alleles (0.00043%); highest among the groups gnomAD compares: Non-Finnish European, 0.00059%; no homozygotes.

Submissions (5):

Labcorp Genetics (formerly Invitae), Labcorp
Classification: Uncertain significance for Juvenile polyposis syndrome. Last evaluated: 2025-12-20. Review status: criteria provided, single submitter. Criteria: Invitae Variant Classification Sherloc (09022015). Collection method: clinical testing. Allele origin: germline.
Comment: This sequence change replaces serine, which is neutral and polar, with isoleucine, which is neutral and non-polar, at codon 389 of the BMPR1A protein (p.Ser389Ile). This variant also falls at the last nucleotide of exon 10, which is part of the consensus splice site for this exon. This variant is present in population databases (no rsID available, gnomAD 0.007%). This missense change has been observed in individual(s) with BMPR1A-related conditions (PMID: 31159747). ClinVar contains an entry for this variant (Variation ID: 460474). An algorithm developed to predict the effect of missense changes on protein structure and function (PolyPhen-2) suggests that this variant is likely to be disruptive. Variants that disrupt the consensus splice site are a relatively common cause of aberrant splicing (PMID: 17576681, 9536098). RNA analysis performed to evaluate the impact of this missense change on mRNA splicing indicates it does not significantly alter splicing (internal data). In summary, the available evidence is currently insufficient to determine the role of this variant in disease. Therefore, it has been classified as a Variant of Uncertain Significance.

Ambry Genetics
Classification: Uncertain significance for Hereditary cancer-predisposing syndrome. Last evaluated: 2024-11-08. Review status: criteria provided, single submitter. Criteria: Ambry Variant Classification Scheme 2023. Collection method: clinical testing. Allele origin: germline.
Comment: The p.S389I variant (also known as c.1166G>T), located in coding exon 8 of the BMPR1A gene, results from a G to T substitution at nucleotide position 1166. The amino acid change results in serine to isoleucine at codon 389, an amino acid with dissimilar properties. However, this change occurs in the last base pair of coding exon 8, which makes it likely to have some effect on normal mRNA splicing. This alteration has been reported in 1/1197 individuals from Greece, Romania, and Turkey undergoing evaluation for inherited cancer predisposition (Tsaousis GN et al. BMC Cancer, 2019 Jun;19:535). This nucleotide position is highly conserved in available vertebrate species. This amino acid position is highly conserved in available vertebrate species. In silico splice site analysis predicts that this alteration will not have any significant effect on splicing. In addition, this alteration is predicted to be deleterious by in silico protein analysis. Based on the available evidence, the clinical significance of this variant remains unclear.

All of Us Research Program, National Institutes of Health
Classification: Uncertain significance for Juvenile polyposis syndrome. Last evaluated: 2023-11-20. Review status: criteria provided, single submitter. Criteria: ACMG Guidelines, 2015. Collection method: clinical testing. Allele origin: germline. Inheritance: Autosomal dominant inheritance. Observed: 2 variant alleles, 2 heterozygotes.
Comment: This missense variant replaces serine with isoleucine at codon 389 of the BMPR1A protein. Computational prediction suggests that this variant may have deleterious impact on protein structure and function (internally defined REVEL score threshold >= 0.7, PMID: 27666373). RT-PCR analysis observed no change in length of RNA produced due to splicing effects, however, Sanger sequencing revealed RNA containing the variant was absent (PMID: 31159747). Other RNA analysis did not observe an impact on splicing (ClinVar SCV000632684.7). This variant has been reported in an individual affected with breast cancer in the literature (PMID: 31159747). This variant has been identified in 1/31398 chromosomes in the general population by the Genome Aggregation Database (gnomAD). The available evidence is insufficient to determine the role of this variant in disease conclusively. Therefore, this variant is classified as a Variant of Uncertain Significance.

This study involves interpretation of variants in research participants for the purpose of population health screening. Participant phenotype was not available at the time of variant classification. Additional details can be found in publication PMID: 35346344, PMCID: PMC8962531

Color Diagnostics, LLC DBA Color Health
Classification: Uncertain significance for Hereditary cancer-predisposing syndrome. Last evaluated: 2023-11-01. Review status: criteria provided, single submitter. Criteria: ACMG Guidelines, 2015. Collection method: clinical testing. Allele origin: germline.
Comment: This missense variant replaces serine with isoleucine at codon 389 of the BMPR1A protein. Computational prediction suggests that this variant may have deleterious impact on protein structure and function (internally defined REVEL score threshold >= 0.7, PMID: 27666373). RT-PCR analysis observed no change in length of RNA produced due to splicing effects, however, Sanger sequencing revealed RNA containing the variant was absent (PMID: 31159747). Other RNA analysis did not observe an impact on splicing (ClinVar SCV000632684.7). This variant has been reported in an individual affected with breast cancer in the literature (PMID: 31159747). This variant has been identified in 1/31398 chromosomes in the general population by the Genome Aggregation Database (gnomAD). The available evidence is insufficient to determine the role of this variant in disease conclusively. Therefore, this variant is classified as a Variant of Uncertain Significance.

GeneKor MSA
Classification: Uncertain significance for Hereditary cancer-predisposing syndrome. Last evaluated: 2018-08-01. Review status: criteria provided, single submitter. Criteria: ACMG Guidelines, 2015. Collection method: clinical testing. Allele origin: germline.

Literature cited by the submitters: PubMed 31159747 (cited by 4 submitters); PubMed 17576681 (cited by Labcorp Genetics (formerly Invitae), Labcorp); PubMed 9536098 (cited by Labcorp Genetics (formerly Invitae), Labcorp).